The following is an entry in ClinVar:

NM_018418.5(SPATA7):c.1215+3T>A

Gene: SPATA7 (spermatogenesis associated 7; plus strand). Cytogenetic location: 14q31.3.
Variant type: single nucleotide variant.
Coding change: c.1215+3T>A on transcript NM_018418.5 (MANE Select); 3 bases into the intron after coding-DNA position 1215, T replaced by A.
Molecular consequence: intron variant.
Genome position (GRCh38, 1-based): chr14:88,437,600, T>A. VCF-style: chr14-88437600-T-A. GRCh37 (hg19) VCF-style: chr14-88903944-T-A.
Other names: c.1119+3T>A (NM_001040428.4).
Identifiers: ClinVar variation 1970357 (VCV001970357.5), dbSNP rs2504295679, ClinGen allele CA2580088878.

ClinVar aggregate classification (germline): Uncertain significance (1 of 4 stars; one submission).

Conditions:
Leber congenital amaurosis 3 (LCA3). Also called: SPATA7-Related Retinitis Pigmentosa. Identifiers: MedGen C1858677, MONDO:0011415, OMIM 604232.

Submission:

Labcorp Genetics (formerly Invitae), Labcorp
Classification: Uncertain significance for Leber congenital amaurosis 3. Last evaluated: 2021-12-21. Review status: criteria provided, single submitter. Criteria: Invitae Variant Classification Sherloc (09022015). Collection method: clinical testing. Allele origin: germline.
Comment: In summary, the available evidence is currently insufficient to determine the role of this variant in disease. Therefore, it has been classified as a Variant of Uncertain Significance. Variants that disrupt the consensus splice site are a relatively common cause of aberrant splicing (PMID: 17576681, 9536098). Algorithms developed to predict the effect of sequence changes on RNA splicing suggest that this variant may create or strengthen a splice site. This variant has not been reported in the literature in individuals affected with SPATA7-related conditions. This variant is not present in population databases (gnomAD no frequency). This sequence change falls in intron 11 of the SPATA7 gene. It does not directly change the encoded amino acid sequence of the SPATA7 protein. It affects a nucleotide within the consensus splice site.

Literature cited by the submitters: PubMed 17576681; PubMed 9536098.